The following is an entry in ClinVar:

NM_000552.5(VWF):c.6599-5dup

Gene: VWF (von Willebrand factor; minus strand). Cytogenetic location: 12p13.31.
Variant type: Duplication.
Coding change: c.6599-5dup on transcript NM_000552.5 (MANE Select); 5 bases into the intron before coding-DNA position 6599, one base duplicated (T; older notation c.6599-5dupT).
Molecular consequence: intron variant.
Genome position (GRCh38, 1-based): chr12:5,992,023, A duplicated on the plus strand (T on the coding strand, the reverse complement: VWF is on the minus strand). VCF-style (leftmost placement, unchanged base first): chr12-5992022-T-TA. GRCh37 (hg19) VCF-style: chr12-6101188-T-TA.
Identifiers: ClinVar variation 420610 (VCV000420610.1), dbSNP rs768221292, ClinGen allele CA6401942.

ClinVar aggregate classification (germline): Likely benign (1 of 4 stars; one submission).

Allele frequency attached by ClinVar (database versions not stated): ExAC 0.00001; gnomAD 0.00001; gnomAD exomes 0.00001.

Submission:

GeneDx
Classification: Likely benign. Last evaluated: 2016-03-09. Review status: criteria provided, single submitter. Criteria: GeneDx Variant Classification (06012015). Collection method: clinical testing. Allele origin: germline. Affected: yes.
Comment: This variant is considered likely benign or benign based on one or more of the following criteria: it is a conservative change, it occurs at a poorly conserved position in the protein, it is predicted to be benign by multiple in silico algorithms, and/or has population frequency not consistent with disease.